The following is an entry in ClinVar:

NM_002700.3(POU4F3):c.337C>T (p.Gln113Ter)

Genes: POU4F3 (POU class 4 homeobox 3; plus strand), RBM27-POU4F3 (RBM27-POU4F3 readthrough; plus strand). Cytogenetic location: 5q32.
Variant type: single nucleotide variant.
Coding change: c.337C>T on transcript NM_002700.3 (MANE Select); coding-DNA position 337, C replaced by T.
Protein change: p.Gln113Ter; replaces glutamine 113 with a stop codon.
Molecular consequence: nonsense. On other transcripts: 3 prime UTR variant (1).
Genome position (GRCh38, 1-based): chr5:146,339,764, C>T. VCF-style: chr5-146339764-C-T. GRCh37 (hg19) VCF-style: chr5-145719327-C-T.
Other names: c.*206C>T (NM_001414499.1); short protein forms Q113*.
Identifiers: ClinVar variation 3383007 (VCV003383007.2).
Genomic context (GRCh38, chr5:146,339,764, plus strand): 5'-TCCACCGTGCCCATCTCCCACCCAGCTGCGCTCACCTCACACCCTCACCACGCCGTGCAC[C>T]AGGGCCTCGAAGGCGACCTGCTGGAGCACATCTCGCCCACGCTGAGTGTGAGCGGCCTGG-3'

ClinVar aggregate classification (germline): Likely pathogenic (1 of 4 stars; one submission).

Conditions:
Autosomal dominant nonsyndromic hearing loss 15 (DFNA15). Also called: DEAFNESS, AUTOSOMAL DOMINANT 52; Autosomal dominant nonsyndromic hearing loss 52. Identifiers: Orphanet 90635, MedGen C1865366, MONDO:0011226, OMIM 602459.

Submission:

Juno Genomics, Hangzhou Juno Genomics, Inc
Classification: Likely pathogenic for Autosomal dominant nonsyndromic hearing loss 15. Review status: criteria provided, single submitter. Criteria: ACMG Guidelines, 2015. Collection method: clinical testing. Allele origin: germline. Affected: yes.
Comment: Null variant in a gene where loss of function (LOF) is a known mechanism of disease.;Co-segregation with disease in multiple affected family members in a gene definitively known to cause the disease.;Absent from controls (or at extremely low frequency if recessive) in Genome Aggregation Database, Exome Sequencing Project, 1000 Genomes Project, or Exome Aggregation Consortium.;The prevalence of the variant in affected individuals is significantly increased compared to the prevalence in controls.